The following is an entry in ClinVar:

ClinVar aggregate classification (germline): Conflicting classifications of pathogenicity. Review status: criteria provided, conflicting classifications (1 of 4 stars). 16 submissions from 16 submitters: Uncertain significance (14); Likely benign (1). 1 of the submissions does not count toward it. Last evaluated 2026-01-31.

Conditions:
Ovarian cancer. Also called: OVARIAN CANCER, SOMATIC. Identifiers: Orphanet 213500, MedGen C1140680, MONDO:0008170, OMIM 167000.
Familial cancer of breast. Also called: Hereditary breast cancer; hereditary breast carcinoma; BREAST CANCER, FAMILIAL. Identifiers: Orphanet 227535, MedGen C0346153, MONDO:0016419, OMIM 114480. Disease mechanism: loss of function.
Hereditary diffuse gastric adenocarcinoma (HDGC). Also called: DIFFUSE GASTRIC AND LOBULAR BREAST CANCER SYNDROME. Identifiers: Orphanet 26106, MedGen C1708349, MONDO:0007648, OMIM 137215.
Blepharocheilodontic syndrome 1 (BCDS1). Identifiers: Orphanet 1997, MedGen C4551988, MONDO:0054740, OMIM 119580.
Endometrial carcinoma. Also called: Endometrial carcinoma, somatic. Identifiers: MedGen C0476089, MONDO:0002447, OMIM 608089, HP:0012114.
CDH1-related diffuse gastric and lobular breast cancer syndrome. Also called: CDH1-related diffuse gastric and lobular breast cancer. Identifiers: MedGen CN311521, MONDO:0100488.
Hereditary cancer-predisposing syndrome. Also called: Tumor predisposition; Hereditary neoplastic syndrome; Hereditary Cancer Syndrome; Neoplastic Syndromes, Hereditary. Identifiers: Orphanet 140162, MedGen C0027672, MeSH D009386, MONDO:0015356.

Allele frequency attached by ClinVar (database versions not stated): gnomAD exomes 0.00001; gnomAD 0.00004; TOPMed 0.00005; ESP Exome Variant Server 0.00008.
gnomAD v4.1: 17 of 1,614,112 alleles (0.0011%); highest among the groups gnomAD compares: African/African-American, 0.012%; no homozygotes.

Submissions 1 to 10 of 16:

Labcorp Genetics (formerly Invitae), Labcorp
Classification: Uncertain significance for Hereditary diffuse gastric adenocarcinoma. Last evaluated: 2026-01-31. Review status: criteria provided, single submitter. Criteria: Invitae Variant Classification Sherloc (09022015). Collection method: clinical testing. Allele origin: germline.
Comment: This sequence change replaces valine, which is neutral and non-polar, with methionine, which is neutral and non-polar, at codon 501 of the CDH1 protein (p.Val501Met). This variant is present in population databases (rs368690400, gnomAD 0.02%). This missense change has been observed in individual(s) with breast cancer and/or gastric cancer (PMID: 34326862, 36436516). ClinVar contains an entry for this variant (Variation ID: 142357). An algorithm developed to predict the effect of missense changes on protein structure and function (PolyPhen-2) suggests that this variant is likely to be disruptive. In summary, the available evidence is currently insufficient to determine the role of this variant in disease. Therefore, it has been classified as a Variant of Uncertain Significance.

Women's Health and Genetics/Laboratory Corporation of America, LabCorp
Classification: Uncertain significance. Last evaluated: 2025-06-23. Review status: criteria provided, single submitter. Criteria: LabCorp Variant Classification Summary - May 2015. Collection method: clinical testing. Allele origin: germline.
Comment: Variant summary: CDH1 c.1501G>A (p.Val501Met) results in a conservative amino acid change located in the Cadherin domain of the encoded protein sequence. Algorithms developed to predict the effect of missense changes on protein structure and function are either unavailable or do not agree on the potential impact of this missense change. The variant allele was found at a frequency of 2.4e-05 in 251476 control chromosomes (gnomAD). The available data on variant occurrences in the general population are insufficient to allow any conclusion about variant significance. c.1501G>A has been observed in individuals affected with cancers including breast cancer and/or gastric cancer (e.g., Bhai_2021). This report does not provide unequivocal conclusions about association of the variant with Breast Cancer. To our knowledge, no experimental evidence demonstrating an impact on protein function has been reported. The following publications have been ascertained in the context of this evaluation (PMID: 30287823, 27904775, 34326862). ClinVar contains an entry for this variant (Variation ID: 142357). Based on the evidence outlined above, the variant was classified as uncertain significance.

Quest Diagnostics Nichols Institute San Juan Capistrano
Classification: Uncertain significance. Last evaluated: 2025-02-21. Review status: criteria provided, single submitter. Criteria: Quest Diagnostics criteria. Collection method: clinical testing. Allele origin: unknown.
Comment: The CDH1 c.1501G>A (p.Val501Met) variant has been reported in the published literature in individuals with gastric cancer (PMID: 36436516 (2023)), colorectal cancer (PMID: 32175104 (2020)), breast cancer (PMID: 34326862 (2021), 30287823 (2018)), and reported in reportedly healthy individuals (PMID: 36243179 (2022), 32980694 (2020)). The frequency of this variant in the general population (Genome Aggregation Database) is higher than would generally be expected for pathogenic variants in this gene. Analysis of this variant using bioinformatics tools for the prediction of the effect of amino acid changes on protein structure and function yielded predictions that this variant is benign. Based on the available information, we are unable to determine the clinical significance of this variant.

Color Diagnostics, LLC DBA Color Health
Classification: Uncertain significance for Hereditary cancer-predisposing syndrome. Last evaluated: 2024-10-25. Review status: criteria provided, single submitter. Criteria: ACMG Guidelines, 2015. Collection method: clinical testing. Allele origin: germline.
Comment: This missense variant replaces valine with methionine at codon 501 of the CDH1 protein. To our knowledge, functional studies have not been reported for this variant. This variant has been reported in individuals affected with breast cancer and gastric cancer (PMID: 33471991, 34326862, 36436516). This variant has been identified in 7/282876 chromosomes in the general population by the Genome Aggregation Database (gnomAD). The available evidence is insufficient to determine the role of this variant in disease conclusively. Therefore, this variant is classified as a Variant of Uncertain Significance.

Department of Pathology and Laboratory Medicine, Sinai Health System
Classification: Uncertain significance for CDH1-related diffuse gastric and lobular breast cancer syndrome. Last evaluated: 2024-09-16. Review status: criteria provided, single submitter. Criteria: ACMG Guidelines, 2015. Collection method: clinical testing. Allele origin: germline.

Fulgent Genetics
Classification: Uncertain significance for Familial cancer of breast; Blepharocheilodontic syndrome 1; Hereditary diffuse gastric adenocarcinoma; Ovarian cancer; Endometrial carcinoma. Last evaluated: 2024-04-16. Review status: criteria provided, single submitter. Criteria: ACMG Guidelines, 2015. Collection method: clinical testing. Allele origin: germline.

ARUP Laboratories, Molecular Genetics and Genomics, ARUP Laboratories
Classification: Uncertain significance. Last evaluated: 2023-12-01. Review status: criteria provided, single submitter. Criteria: ARUP Molecular Germline Variant Investigation Process 2024. Collection method: clinical testing. Allele origin: germline.
Comment: The CDH1 c.1501G>A p.Val501Met variant (rs368690400) is reported in the literature in individuals affected with cancer (Bhai 2021, Garcia-Pelaez 2023, Hoang 2020), but also in healthy controls (Mizukami 2020, Momozawa 2018, Okawa 2023). This variant is also reported in ClinVar (Variation ID: 142357). This variant is found in the general population with an overall allele frequency of 0.003% (7/282876 alleles) in the Genome Aggregation Database (v2.1.1). Computational analyses are uncertain whether this variant is neutral or deleterious (REVEL: 0.285). Due to limited information, the clinical significance of this variant is uncertain at this time. References: National Comprehensive Cancer Network. Genetic/Familial High-Risk Assessment: Breast, Ovarian, and Pancreatic [(2.2024)]: Bhai P et al. Analysis of Sequence and Copy Number Variants in Canadian Patient Cohort With Familial Cancer Syndromes Using a Unique Next Generation Sequencing Based Approach. Front Genet. 2021 Jul 13;12:698595. PMID: 34326862. Garcia-Pelaez J et al. Genotype-first approach to identify associations between CDH1 germline variants and cancer phenotypes: a multicentre study by the European Reference Network on Genetic Tumour Risk Syndromes. Lancet Oncol. 2023 Jan;24(1):91-106. PMID: 36436516 Hoang T et al. Gene mutations distinguishing gastric from colorectal and esophageal adenocarcinomas. J Gastrointest Oncol. 2020 Feb;11(1):45-54. PMID: 32175104. Mizukami K et al. Genetic characterization of pancreatic cancer patients and prediction of carrier status of germline pathogenic variants in cancer-predisposing genes. EBioMedicine. 2020 Oct;60:103033. PMID: 32980694. Momozawa Y et al. Germline pathogenic variants of 11 breast cancer genes in 7,051 Japanese patients and 11,241 controls. Nat Commun. 2018 Oct 4;9(1):4083. PMID: 30287823. Okawa Y et al. Hereditary cancer variants and homologous recombination deficiency in biliary tract cancer. J Hepatol. 2023 Feb;78(2):333-342. PMID: 36243179.

Blueprint Genetics
Classification: Uncertain significance. Last evaluated: 2023-08-09. Review status: criteria provided, single submitter. Criteria: ACMG Guidelines, 2015. Collection method: clinical testing. Allele origin: germline.

Myriad Genetics, Inc.
Classification: Uncertain significance for Hereditary diffuse gastric adenocarcinoma. Last evaluated: 2023-03-06. Review status: criteria provided, single submitter. Criteria: Myriad Autosomal Dominant, Autosomal Recessive and X-Linked Classification Criteria (2023). Collection method: clinical testing. Allele origin: unknown.
Comment: This variant is classified as a variant of uncertain significance as there is insufficient evidence to determine its impact on protein function and/or cancer risk.

European Reference Network on Genetic Tumour Risk Syndromes (ERN-GENTURIS), i3s - Instituto de Investigação e Inovação em Saúde, University of Porto
Classification: Uncertain significance for Hereditary diffuse gastric adenocarcinoma. Last evaluated: 2022-08-01. Review status: criteria provided, single submitter. Criteria: Lee et al. (Hum Mutat. 2018). Collection method: clinical testing. Allele origin: germline. Inheritance: Autosomal dominant inheritance. Affected: yes. Study: ERN GENTURIS.
Comment: PS4_Supporting (PMID: 30311375)

NM_004360.5(CDH1):c.1501G>A (p.Val501Met)

Gene: CDH1 (cadherin 1; plus strand). Cytogenetic location: 16q22.1.
Variant type: single nucleotide variant.
Coding change: c.1501G>A on transcript NM_004360.5 (MANE Select); coding-DNA position 1501, G replaced by A.
Protein change: p.Val501Met; replaces valine 501 with methionine.
Molecular consequence: missense variant. On other transcripts: 5 prime UTR variant (2).
Genome position (GRCh38, 1-based): chr16:68,815,695, G>A. VCF-style: chr16-68815695-G-A. GRCh37 (hg19) VCF-style: chr16-68849598-G-A.
Other names: c.1501G>A (LRG_301t1); c.1318G>A, p.Val440Met (NM_001317184.2); c.-48G>A (NM_001317185.2); c.-319G>A (NM_001317186.2); short protein forms V501M, V440M.
Identifiers: ClinVar variation 142357 (VCV000142357.79), dbSNP rs368690400, ClinGen allele CA168156.